The following is an entry in ClinVar:

ClinVar aggregate classification (germline): Uncertain significance (0 of 4 stars; one submission).

Conditions:
DPYSL5-related disorder. Also called: DPYSL5-related condition.

gnomAD v4.1: 9 of 1,614,062 alleles (0.00056%); highest among the groups gnomAD compares: African/African-American, 0.0013%; no homozygotes.

Submission:

PreventionGenetics, part of Exact Sciences
Classification: Uncertain significance for DPYSL5-related condition. Last evaluated: 2024-09-10. Review status: no assertion criteria provided. Collection method: clinical testing. Allele origin: germline.
Comment: The DPYSL5 c.1178G>A variant is predicted to result in the amino acid substitution p.Arg393His. To our knowledge, this variant has not been reported in the literature. This variant is reported in 0.00088% of alleles in individuals of European (Non-Finnish) descent in gnomAD. At this time, the clinical significance of this variant is uncertain due to the absence of conclusive functional and genetic evidence.

NM_020134.4(DPYSL5):c.1178G>A (p.Arg393His)

Gene: DPYSL5 (dihydropyrimidinase like 5; plus strand). Cytogenetic location: 2p23.3.
Variant type: single nucleotide variant.
Coding change: c.1178G>A on transcript NM_020134.4 (MANE Select); coding-DNA position 1178, G replaced by A.
Protein change: p.Arg393His; replaces arginine 393 with histidine.
Molecular consequence: missense variant.
Genome position (GRCh38, 1-based): chr2:26,942,038, G>A. VCF-style: chr2-26942038-G-A. GRCh37 (hg19) VCF-style: chr2-27164906-G-A.
Other names: c.1178G>A, p.Arg393His (NM_001253723.2, NM_001253724.2); short protein forms R393H.
Identifiers: ClinVar variation 3351743 (VCV003351743.1).